The following is an entry in ClinVar:

NM_001080467.3(MYO5B):c.3638A>T (p.Lys1213Met)

Gene: MYO5B (myosin VB; minus strand). Cytogenetic location: 18q21.1.
Variant type: single nucleotide variant.
Coding change: c.3638A>T on transcript NM_001080467.3 (MANE Select); coding-DNA position 3638, A replaced by T.
Protein change: p.Lys1213Met; replaces lysine 1213 with methionine.
Molecular consequence: missense variant.
Genome position (GRCh38, 1-based): chr18:49,864,346, T>A on the plus strand (A>T on the coding strand, the complement: MYO5B is on the minus strand). VCF-style: chr18-49864346-T-A. GRCh37 (hg19) VCF-style: chr18-47390716-T-A.
Other names: short protein forms K1213M.
Identifiers: ClinVar variation 889048 (VCV000889048.24), dbSNP rs201651982, ClinGen allele CA8960634.

ClinVar aggregate classification (germline): Conflicting classifications of pathogenicity. Review status: criteria provided, conflicting classifications (1 of 4 stars). 3 submissions from 3 submitters: Uncertain significance (1); Benign (1); Likely benign (1). Last evaluated 2025-11-15.

Conditions:
Congenital microvillous atrophy (DIAR2). Also called: MICROVILLUS ATROPHY, CONGENITAL; Microvillus inclusion disease; Diarrhea 2 with microvillus atrophy, with or without cholestasis; CONGENITAL FAMILIAL PROTRACTED DIARRHEA WITH ENTEROCYTE BRUSH-BORDER ABNORMALITIES; DAVIDSON DISEASE. Identifiers: Orphanet 2290, MedGen C0341306, MONDO:0009635, OMIM 251850.

Allele frequency attached by ClinVar (database versions not stated): 1000 Genomes Project 30x 0.00031; TOPMed 0.00038; 1000 Genomes Project 0.00040; ESP Exome Variant Server 0.00057.
gnomAD v4.1: 1,828 of 1,614,002 alleles (0.11%); highest among the groups gnomAD compares: Non-Finnish European, 0.064%; 11 homozygotes.

Submissions (3):

Labcorp Genetics (formerly Invitae), Labcorp
Classification: Benign. Last evaluated: 2025-11-15. Review status: criteria provided, single submitter. Criteria: Invitae Variant Classification Sherloc (09022015). Collection method: clinical testing. Allele origin: germline.

CeGaT Center for Human Genetics Tuebingen
Classification: Likely benign. Last evaluated: 2025-01-01. Review status: criteria provided, single submitter. Criteria: CeGaT Center For Human Genetics Tuebingen Variant Classification Criteria Version 2. Collection method: clinical testing. Allele origin: germline. Affected: yes. Observed: 1 variant allele.
Comment: MYO5B: BS2

Illumina Laboratory Services, Illumina
Classification: Uncertain significance for Congenital microvillous atrophy. Last evaluated: 2017-04-27. Review status: criteria provided, single submitter. Criteria: ICSL Variant Classification Criteria 13 December 2019. Collection method: clinical testing. Allele origin: germline.